The following is an entry in ClinVar:

ClinVar aggregate classification (germline): Pathogenic. Review status: criteria provided, single submitter (1 of 4 stars). 2 submissions from 2 submitters: Pathogenic (1). 1 of the submissions does not count toward it. Last evaluated 2025-10-16.

Conditions:
Hereditary cancer-predisposing syndrome. Also called: Neoplastic Syndromes, Hereditary; Tumor predisposition; Hereditary neoplastic syndrome; Hereditary Cancer Syndrome. Identifiers: Orphanet 140162, MedGen C0027672, MeSH D009386, MONDO:0015356.
Malignant tumor of testis. Also called: Testicular cancer. Identifiers: MedGen C0153594, MONDO:0005447.

Allele frequency attached by ClinVar (database versions not stated): gnomAD exomes below 0.00001.

Submissions (2):

Ambry Genetics
Classification: Pathogenic for Hereditary cancer-predisposing syndrome. Last evaluated: 2025-10-16. Review status: criteria provided, single submitter. Criteria: Ambry Variant Classification Scheme 2023. Collection method: clinical testing. Allele origin: germline.
Comment: The p.G163D pathogenic mutation (also known as c.488G>A), located in coding exon 4 of the STK11 gene, results from a G to A substitution at nucleotide position 488. The glycine at codon 163 is replaced by aspartic acid, an amino acid with similar properties. This variant was reported in individual(s) with features consistent with Peutz-Jeghers syndrome (Lim W et al. Gastroenterology. 2004;126:1788-1794; Chiang JM et al. Asian J Surg, 2018 Sep;41:480-485; Ambry internal data). This variant is considered to be rare based on population cohorts in the Genome Aggregation Database (gnomAD). This amino acid position is highly conserved in available vertebrate species. In addition, this alteration is predicted to be deleterious by in silico analysis. Based on the supporting evidence, this variant is interpreted as a disease-causing mutation.

OMIM
Classification: Pathogenic for TESTICULAR TUMOR, SOMATIC. Last evaluated: 1999-01-01. Review status: no assertion criteria provided. Collection method: literature only. Allele origin: somatic. Not counted in ClinVar's aggregate classification.

Literature cited by the submitters: PubMed 28869103 (cited by Ambry Genetics); PubMed 9605748 (cited by OMIM); PubMed 9887330 (cited by OMIM).

NM_000455.5(STK11):c.488G>A (p.Gly163Asp)

Gene: STK11 (serine/threonine kinase 11; plus strand). Cytogenetic location: 19p13.3.
Variant type: single nucleotide variant.
Coding change: c.488G>A on transcript NM_000455.5 (MANE Select); coding-DNA position 488, G replaced by A.
Protein change: p.Gly163Asp; replaces glycine 163 with aspartic acid.
Molecular consequence: missense variant.
Genome position (GRCh38, 1-based): chr19:1,220,396, G>A. VCF-style: chr19-1220396-G-A. GRCh37 (hg19) VCF-style: chr19-1220395-G-A.
Other names: short protein forms G163D.
Identifiers: ClinVar variation 7448 (VCV000007448.3), dbSNP rs137853078, ClinGen allele CA023051.